The following is an entry in ClinVar:

NM_005045.4(RELN):c.675_676del (p.Cys225_Glu226delinsTer)

Gene: RELN (reelin; minus strand). Cytogenetic location: 7q22.1.
Variant type: Microsatellite.
Coding change: c.675_676del on transcript NM_005045.4 (MANE Select); coding-DNA positions 675 to 676, 2 bases deleted (TG; older notation c.675_676delTG).
Protein change: p.Cys225_Glu226delinsTer.
Molecular consequence: nonsense.
Genome position (GRCh38, 1-based): chr7:103,728,188-103,728,189, CA deleted on the plus strand (TG on the coding strand, the reverse complement: RELN is on the minus strand); deleting any 2 consecutive bases within chr7:103,728,188-103,728,191 gives the same sequence; the c. name uses the placement nearest the transcript's 3' end. VCF-style (leftmost placement, unchanged base first): chr7-103728187-TCA-T. GRCh37 (hg19) VCF-style: chr7-103368634-TCA-T.
Other names: c.675_676del, p.Cys225_Glu226delinsTer (NM_173054.3).
Identifiers: ClinVar variation 2952099 (VCV002952099.3), dbSNP rs2484996309, ClinGen allele CA2740097484.

ClinVar aggregate classification (germline): Pathogenic (1 of 4 stars; one submission).

Conditions:
Norman-Roberts syndrome (LIS2). Also called: Lissencephaly 2 (Norman-Roberts type). Identifiers: Orphanet 89844, MedGen C0796089, MONDO:0009760, OMIM 257320.
Familial temporal lobe epilepsy 7. Identifiers: Orphanet 101046, MedGen C4225327, MONDO:0014639, OMIM 616436.

Submission:

Labcorp Genetics (formerly Invitae), Labcorp
Classification: Pathogenic for Familial temporal lobe epilepsy 7; Norman-Roberts syndrome. Last evaluated: 2023-09-20. Review status: criteria provided, single submitter. Criteria: Invitae Variant Classification Sherloc (09022015). Collection method: clinical testing. Allele origin: germline.
Comment: For these reasons, this variant has been classified as Pathogenic. This variant has not been reported in the literature in individuals affected with RELN-related conditions. This variant is not present in population databases (gnomAD no frequency). This sequence change creates a premature translational stop signal (p.Cys225*) in the RELN gene. It is expected to result in an absent or disrupted protein product. Loss-of-function variants in RELN are known to be pathogenic (PMID: 10973257, 26046367, 28454995).

Literature cited by the submitters: PubMed 10973257; PubMed 26046367; PubMed 28454995.